The following is an entry in ClinVar:

NM_001267550.2(TTN):c.31429_31430insTTA (p.Pro10477delinsLeuThr)

Gene: TTN (titin; minus strand). Cytogenetic location: 2q31.2.
Variant type: Insertion.
Coding change: c.31429_31430insTTA on transcript NM_001267550.2 (MANE Select); coding-DNA positions 31429 to 31430, TTA inserted.
Protein change: p.Pro10477delinsLeuThr.
Molecular consequence: inframe indel. On other transcripts: intron variant (3).
Genome position: GRCh38 VCF-style: chr2-178694005-G-GTAA. GRCh37 (hg19) VCF-style: chr2-179558732-G-GTAA.
Other names: c.30478_30479insTTA, p.Pro10160delinsLeuThr (NM_001256850.1); c.27697_27698insTTA, p.Pro9233delinsLeuThr (NM_133378.4); c.13282+44076_13282+44077insTTA (NM_003319.4); c.13858+44076_13858+44077insTTA (NM_133437.4); c.13657+44076_13657+44077insTTA (NM_133432.3).
Identifiers: ClinVar variation 1704610 (VCV001704610.2), dbSNP rs1169302125, ClinGen allele CA430131826.

ClinVar aggregate classification (germline): Uncertain significance. Review status: criteria provided, multiple submitters, no conflicts (2 of 4 stars). 2 submissions from 2 submitters: Uncertain significance (2). Last evaluated 2026-02-25.

Allele frequency attached by ClinVar (database versions not stated): TOPMed below 0.00001; gnomAD 0.00001.

Submissions (2):

GeneDx
Classification: Uncertain significance. Last evaluated: 2026-02-25. Review status: criteria provided, single submitter. Criteria: GeneDx Variant Classification Process June 2021. Collection method: clinical testing. Allele origin: germline.
Comment: Not observed at significant frequency in large population cohorts (gnomAD); In-frame variant in a gene in which most reported pathogenic variants are truncating/loss-of-function; Has not been previously published as pathogenic or benign to our knowledge

Women's Health and Genetics/Laboratory Corporation of America, LabCorp
Classification: Uncertain significance. Last evaluated: 2022-07-19. Review status: criteria provided, single submitter. Criteria: LabCorp Variant Classification Summary - May 2015. Collection method: clinical testing. Allele origin: germline.
Comment: Variant summary: TTN c.27697_27698insTTA (p.Pro9233delinsLeuThr) results in an in-frame deletion-insertion that is predicted to delete one amino acid from the protein and insert two new amino acids. 4/4 computational tools predict no significant impact on normal splicing. However, these predictions have yet to be confirmed by functional studies. The variant was absent in 244190 control chromosomes. The available data on variant occurrences in the general population are insufficient to allow any conclusion about variant significance. To our knowledge, no occurrence of c.27697_27698insTTA in individuals affected with Dilated Cardiomyopathy and no experimental evidence demonstrating its impact on protein function have been reported. No clinical diagnostic laboratories have submitted clinical-significance assessments for this variant to ClinVar after 2014. Based on the evidence outlined above, the variant was classified as uncertain significance.